The following is an entry in ClinVar:

ClinVar aggregate classification (germline): Uncertain significance. Review status: criteria provided, multiple submitters, no conflicts (2 of 4 stars). 5 submissions from 5 submitters: Uncertain significance (5). Last evaluated 2025-12-29.

Conditions:
Marfan syndrome (MFS). Also called: MARFAN SYNDROME, TYPE I; Marfan syndrome type 1; Marfan's syndrome; Marfan syndrome, classic; FBN1-Related Marfan Syndrome. Identifiers: Orphanet 284963, Orphanet 558, MedGen C0024796, MONDO:0007947, OMIM 154700.
Familial thoracic aortic aneurysm and aortic dissection (TAAD). Also called: Thoracic aortic aneurysms and dissections. Identifiers: Orphanet 91387, MedGen C4707243, MONDO:0019625.

Allele frequency attached by ClinVar (database versions not stated): gnomAD exomes below 0.00001 and 0.00001; gnomAD 0.00001; TOPMed below 0.00001; ExAC 0.00001.
gnomAD v4.1: 12 of 1,613,742 alleles (0.00074%); highest among the groups gnomAD compares: Non-Finnish European, 0.001%; no homozygotes.

Submissions (5):

Labcorp Genetics (formerly Invitae), Labcorp
Classification: Uncertain significance for Marfan syndrome; Familial thoracic aortic aneurysm and aortic dissection. Last evaluated: 2025-12-29. Review status: criteria provided, single submitter. Criteria: Invitae Variant Classification Sherloc (09022015). Collection method: clinical testing. Allele origin: germline.
Comment: This sequence change replaces glutamine, which is neutral and polar, with histidine, which is basic and polar, at codon 702 of the FBN1 protein (p.Gln702His). This variant is present in population databases (rs778835898, gnomAD 0.0009%). This missense change has been observed in individual(s) with non-syndromic thoracic aortic aneurysm and dissection (PMID: 30739908). ClinVar contains an entry for this variant (Variation ID: 1185015). Invitae Evidence Modeling of protein sequence and biophysical properties (such as structural, functional, and spatial information, amino acid conservation, physicochemical variation, residue mobility, and thermodynamic stability) has been performed for this missense variant. However, the output from this modeling did not meet the statistical confidence thresholds required to predict the impact of this variant on FBN1 protein function. In summary, the available evidence is currently insufficient to determine the role of this variant in disease. Therefore, it has been classified as a Variant of Uncertain Significance.

Color Diagnostics, LLC DBA Color Health
Classification: Uncertain significance for Familial thoracic aortic aneurysm and aortic dissection. Last evaluated: 2025-01-21. Review status: criteria provided, single submitter. Criteria: ACMG Guidelines, 2015. Collection method: clinical testing. Allele origin: germline.
Comment: This missense variant replaces glutamine with histidine at codon 702 of the FBN1 protein. Computational prediction tool is inconclusive regarding the impact of this variant on protein structure and function. To our knowledge, functional studies have not been reported for this variant. This variant has been reported in an individual affected with nonsyndromic thoracic aortic aneurysms and dissection (PMID: 30739908). This variant has been identified in 1/251320 chromosomes in the general population by the Genome Aggregation Database (gnomAD). The available evidence is insufficient to determine the role of this variant in disease conclusively. Therefore, this variant is classified as a Variant of Uncertain Significance.

All of Us Research Program, National Institutes of Health
Classification: Uncertain significance for Marfan syndrome. Last evaluated: 2024-08-06. Review status: criteria provided, single submitter. Criteria: ACMG Guidelines, 2015. Collection method: clinical testing. Allele origin: germline. Inheritance: Autosomal dominant inheritance. Observed: 2 variant alleles, 2 heterozygotes.
Comment: This missense variant replaces glutamine with histidine at codon 702 of the FBN1 protein. Computational prediction is inconclusive regarding the impact of this variant on protein structure and function (internally defined REVEL score threshold 0.5 < inconclusive < 0.7, PMID: 27666373). To our knowledge, functional studies have not been reported for this variant. This variant has been reported in an individual affected with nonsyndromic thoracic aortic aneurysms and dissection (PMID: 30739908). This variant has been identified in 1/251320 chromosomes in the general population by the Genome Aggregation Database (gnomAD). The available evidence is insufficient to determine the role of this variant in disease conclusively. Therefore, this variant is classified as a Variant of Uncertain Significance.

This study involves interpretation of variants in research participants for the purpose of population health screening. Participant phenotype was not available at the time of variant classification. Additional details can be found in publication PMID: 35346344, PMCID: PMC8962531

Women's Health and Genetics/Laboratory Corporation of America, LabCorp
Classification: Uncertain significance. Last evaluated: 2024-07-01. Review status: criteria provided, single submitter. Criteria: LabCorp Variant Classification Summary - May 2015. Collection method: clinical testing. Allele origin: germline.
Comment: Variant summary: FBN1 c.2106G>T (p.Gln702His) results in a non-conservative amino acid change located in the TB domain (IPR017878) of the encoded protein sequence. Four of five in-silico tools predict a damaging effect of the variant on protein function. The variant allele was found at a frequency of 4e-06 in 251320 control chromosomes. The available data on variant occurrences in the general population are insufficient to allow any conclusion about variant significance. c.2106G>T has been reported in the literature in a study of individuals affected with nonsyndromic heritable thoracic aortic aneurysms and dissections (Arnaud_2019). These report(s) do not provide unequivocal conclusions about association of the variant with Autosomal Dominant Weill-Marchesani Syndrome. To our knowledge, no experimental evidence demonstrating an impact on protein function has been reported. The following publication have been ascertained in the context of this evaluation (PMID: 30739908). ClinVar contains an entry for this variant (Variation ID: 1185015). Based on the evidence outlined above, the variant was classified as uncertain significance.

Johns Hopkins Genomics, Johns Hopkins University
Classification: Uncertain significance. Last evaluated: 2021-06-04. Review status: criteria provided, single submitter. Criteria: ACMG Guidelines, 2015. Collection method: clinical testing. Allele origin: germline.
Comment: FBN1 c.2106G>T (rs778835898) is rare (<0.1%) in a large population dataset (gnomAD: 1/251320 total alleles; 0.0004%; no homozygotes) and has not been reported in ClinVar nor the literature, to our knowledge. Of three bioinformatics tools queried, two predict that the substitution would be tolerated, while one predicts that it would be possibly damaging. The glutamine residue at this position is evolutionarily conserved across most species assessed. We consider the clinical significance of FBN1 c.2106G>T to be uncertain at this time.

Literature cited by the submitters: PubMed 30739908 (cited by 4 submitters).

NM_000138.5(FBN1):c.2106G>T (p.Gln702His)

Gene: FBN1 (fibrillin 1; minus strand). Cytogenetic location: 15q21.1.
Variant type: single nucleotide variant.
Coding change: c.2106G>T on transcript NM_000138.5 (MANE Select); coding-DNA position 2106, G replaced by T.
Protein change: p.Gln702His; replaces glutamine 702 with histidine.
Molecular consequence: missense variant.
Genome position (GRCh38, 1-based): chr15:48,503,794, C>A on the plus strand (G>T on the coding strand, the complement: FBN1 is on the minus strand). VCF-style: chr15-48503794-C-A. GRCh37 (hg19) VCF-style: chr15-48795991-C-A.
Other names: short protein forms Q702H.
Identifiers: ClinVar variation 1185015 (VCV001185015.9), dbSNP rs778835898, ClinGen allele CA046769.